The following is an entry in ClinVar:

NM_000152.5(GAA):c.1840A>G (p.Thr614Ala)

Gene: GAA (alpha glucosidase; plus strand). Cytogenetic location: 17q25.3.
Variant type: single nucleotide variant.
Coding change: c.1840A>G on transcript NM_000152.5 (MANE Select); coding-DNA position 1840, A replaced by G.
Protein change: p.Thr614Ala; replaces threonine 614 with alanine.
Molecular consequence: missense variant.
Genome position (GRCh38, 1-based): chr17:80,112,663, A>G. VCF-style: chr17-80112663-A-G. GRCh37 (hg19) VCF-style: chr17-78086462-A-G.
Other names: c.1840A>G, p.Thr614Ala (NM_001079803.3, NM_001079804.3, NM_001406741.1 and 1 more transcripts); short protein forms T614A.
Identifiers: ClinVar variation 4876280 (VCV004876280.1).

ClinVar aggregate classification (germline): Uncertain significance (1 of 4 stars; one submission).

Conditions:
Glycogen storage disease, type II (IOPD). Also called: Pompe Disease; CARDIOMEGALIA GLYCOGENICA DIFFUSA; GLYCOGENOSIS, GENERALIZED, CARDIAC FORM; GSD II; POMPE DISEASE, INFANTILE-ONSET; GLYCOGEN STORAGE DISEASE II, INFANTILE-ONSET. Identifiers: Orphanet 365, MedGen C0017921, MONDO:0009290, OMIM 232300.

Submission:

Genomenon, Inc
Classification: Uncertain significance for Glycogen storage disease, type II. Last evaluated: 2026-07-01. Review status: criteria provided, single submitter. Criteria: Genomenon Sequence Variant Interpretation Standards - Updated. Collection method: curation. Allele origin: germline. Affected: no.
Comment: GAA p.Thr614Ala (c.1840A>G) is a missense variant that changes the amino acid at codon 614 from Threonine to Alanine. This variant has been reported in the published literature (PMID:24513544;30281819;33560568;33073027). It is absent or not present at a significant frequency in gnomAD. In silico models predict that this variant is possibly or probably damaging. In conclusion, we classify GAA p.Thr614Ala (c.1840A>G) as a variant of uncertain significance.

Literature cited by the submitters: PubMed 24513544; PubMed 30281819; PubMed 33560568; PubMed 33073027.